The following is an entry in ClinVar:

NM_001378964.1(CDON):c.*2830A>G

Gene: CDON (cell adhesion associated, oncogene regulated; minus strand). Cytogenetic location: 11q24.2.
Variant type: single nucleotide variant.
Coding change: c.*2830A>G on transcript NM_001378964.1 (MANE Select); 2830 bases downstream of the stop codon, A replaced by G.
Molecular consequence: 3 prime UTR variant.
Genome position (GRCh38, 1-based): chr11:125,958,112, T>C on the plus strand (A>G on the coding strand, the complement: CDON is on the minus strand). VCF-style: chr11-125958112-T-C. GRCh37 (hg19) VCF-style: chr11-125828007-T-C.
Other names: c.*2830A>G (NM_001243597.3, NM_016952.6).
Identifiers: ClinVar variation 303397 (VCV000303397.6), dbSNP rs1065398, ClinGen allele CA10638287.

ClinVar aggregate classification (germline): Benign. Review status: criteria provided, multiple submitters, no conflicts (2 of 4 stars). 2 submissions from 2 submitters: Benign (2). Last evaluated 2018-01-13.

Conditions:
Holoprosencephaly 11 (HPE11). Identifiers: Orphanet 2162, MedGen C3280215, MONDO:0013642, OMIM 614226.

Allele frequency attached by ClinVar (database versions not stated): gnomAD 0.49530 and 0.49008; TOPMed 0.48368; 1000 Genomes Project 30x 0.49797; 1000 Genomes Project 0.50559; gnomAD exomes 0.73077.
gnomAD v4.1: 75,293 of 152,042 alleles (50%); highest among the groups gnomAD compares: East Asian, 71%; 19,351 homozygotes.

Submissions (2):

Illumina Laboratory Services, Illumina
Classification: Benign for Holoprosencephaly 11. Last evaluated: 2018-01-13. Review status: criteria provided, single submitter. Criteria: ICSL Variant Classification Criteria 13 December 2019. Collection method: clinical testing. Allele origin: germline.
Comment: This variant was observed in the ICSL laboratory as part of a predisposition screen in an ostensibly healthy population. It had not been previously curated by ICSL or reported in the Human Gene Mutation Database (HGMD: prior to June 1st, 2018), and was therefore a candidate for classification through an automated scoring system. Utilizing variant allele frequency, disease prevalence and penetrance estimates, and inheritance mode, an automated score was calculated to assess if this variant is too frequent to cause the disease. Based on the score and internal cut-off values, a variant classified as benign is not then subjected to further curation. The score for this variant resulted in a classification of benign for this disease.

Breakthrough Genomics
Classification: Benign. Review status: criteria provided, single submitter. Criteria: ACMG Guidelines, 2015. Collection method: not provided. Allele origin: germline. Inheritance: Autosomal dominant inheritance. Affected: yes.